The following is an entry in ClinVar:

ClinVar aggregate classification (germline): Pathogenic (1 of 4 stars; one submission).

Conditions:
Intellectual disability-severe speech delay-mild dysmorphism syndrome (IDDLA). Also called: Mental retardation with language impairment and autistic features; Intellectual developmental disorder with language impairment AND with or without autistic features; FOXP1 Syndrome. Identifiers: Orphanet 391372, MedGen C4013764, MONDO:0013352, OMIM 613670.

Submission:

Women's Health and Genetics/Laboratory Corporation of America, LabCorp
Classification: Pathogenic for Intellectual disability-severe speech delay-mild dysmorphism syndrome. Last evaluated: 2024-02-21. Review status: criteria provided, single submitter. Criteria: LabCorp Variant Classification Summary - May 2015. Collection method: clinical testing. Allele origin: germline.
Comment: Variant summary: FOXP1 c.659dupC (p.Gln221SerfsX74) results in a premature termination codon, predicted to cause a truncation of the encoded protein or absence of the protein due to nonsense mediated decay, which are commonly known mechanisms for disease. The variant was absent in 251050 control chromosomes (gnomAD). To our knowledge, no occurrence of c.659dupC in individuals affected with Mental Retardation With Language Impairment And With Or Without Autistic Features and no experimental evidence demonstrating its impact on protein function have been reported. ClinVar contains an entry for this variant (Variation ID: 918163). Based on the evidence outlined above, the variant was classified as pathogenic.

NM_001349338.3(FOXP1):c.659dup (p.Gln221fs)

Gene: FOXP1 (forkhead box P1; minus strand). Cytogenetic location: 3p13.
Variant type: Duplication.
Coding change: c.659dup on transcript NM_001349338.3 (MANE Select); coding-DNA position 659, one base duplicated (C; older notation c.659dupC).
Protein change: p.Gln221fs; shifts the reading frame from glutamine 221.
Molecular consequence: frameshift variant. On other transcripts: non-coding transcript variant (2).
Genome position (GRCh38, 1-based): chr3:71,046,947, G duplicated on the plus strand (C on the coding strand, the reverse complement: FOXP1 is on the minus strand). VCF-style (leftmost placement, unchanged base first): chr3-71046946-A-AG. GRCh37 (hg19) VCF-style: chr3-71096097-A-AG.
Other names: c.659dupC (NM_032682.6); c.659dup, p.Gln221fs (NM_001244808.3, NM_001244810.2, NM_001244814.3 and 3 more transcripts); c.431dup, p.Gln145fs (NM_001244812.3); c.359dup, p.Gln121fs (NM_001244813.3, NM_001244815.2, NM_001349342.3 and 1 more transcripts); c.356dup, p.Gln120fs (NM_001349337.2, NM_001349343.3, NM_001349344.3); c.656dup, p.Gln220fs (NM_001349341.3); short protein forms Q120fs, Q145fs, Q221fs, Q121fs, Q220fs.
Identifiers: ClinVar variation 918163 (VCV000918163.3), dbSNP rs2049106504, ClinGen allele CA1139658181.